The following is an entry in ClinVar:

ClinVar aggregate classification (germline): Uncertain significance. Review status: criteria provided, multiple submitters, no conflicts (2 of 4 stars). 2 submissions from 2 submitters: Uncertain significance (2). Last evaluated 2025-11-19.

Conditions:
Long chain 3-hydroxyacyl-CoA dehydrogenase deficiency. Also called: LCHAD Deficiency; Deficiency of long-chain 3-hydroxyacyl-coenzyme A dehydrogenase. Identifiers: Orphanet 5, MedGen C3711645, MONDO:0012173, OMIM 609016.
Mitochondrial trifunctional protein deficiency. Identifiers: Orphanet 746, MedGen C1969443, MONDO:0012172.
Mitochondrial trifunctional protein deficiency 1 (MTPD1). Identifiers: MedGen CN376812, MONDO:0958181, OMIM 609015.

Allele frequency attached by ClinVar (database versions not stated): TOPMed below 0.00001; gnomAD 0.00001; ExAC 0.00002.
gnomAD v4.1: 18 of 1,611,154 alleles (0.0011%); highest among the groups gnomAD compares: Admixed American, 0.0017%; no homozygotes.

Submissions (2):

Labcorp Genetics (formerly Invitae), Labcorp
Classification: Uncertain significance for Mitochondrial trifunctional protein deficiency; Long chain 3-hydroxyacyl-CoA dehydrogenase deficiency. Last evaluated: 2025-11-19. Review status: criteria provided, single submitter. Criteria: Invitae Variant Classification Sherloc (09022015). Collection method: clinical testing. Allele origin: germline.
Comment: This sequence change replaces arginine, which is basic and polar, with glutamine, which is neutral and polar, at codon 235 of the HADHA protein (p.Arg235Gln). This variant is present in population databases (rs762322638, gnomAD 0.002%). This variant has not been reported in the literature in individuals affected with HADHA-related conditions. ClinVar contains an entry for this variant (Variation ID: 2146998). Invitae Evidence Modeling of protein sequence and biophysical properties (such as structural, functional, and spatial information, amino acid conservation, physicochemical variation, residue mobility, and thermodynamic stability) indicates that this missense variant is not expected to disrupt HADHA protein function with a negative predictive value of 95%. This variant disrupts the p.Arg235 amino acid residue in HADHA. Other variant(s) that disrupt this residue have been determined to be pathogenic (PMID: 19433283, 21549624, 34878152). This suggests that this residue is clinically significant, and that variants that disrupt this residue are likely to be disease-causing. In summary, the available evidence is currently insufficient to determine the role of this variant in disease. Therefore, it has been classified as a Variant of Uncertain Significance.

Mendelics
Classification: Uncertain significance for Mitochondrial trifunctional protein deficiency 1. Last evaluated: 2024-12-15. Review status: criteria provided, single submitter. Criteria: ACMG Guidelines, 2015. Collection method: clinical testing. Allele origin: unknown. Inheritance: Autosomal recessive inheritance.
Comment: The NM_000182.5(HADHA):c.704G>A (p.Arg235Gln) variant has a GnomAD 4.1.0 frequency of 0.00001117 (18 heterozygotes) with no homozygotes. Other variant in the same codon Pathogenic/Likely pathogenic (Variation ID: 188987). No previous report in the literature, except other ClinVar submission (SCV003455230.1).

Literature cited by the submitters: PubMed 19433283 (cited by Labcorp Genetics (formerly Invitae), Labcorp); PubMed 21549624 (cited by Labcorp Genetics (formerly Invitae), Labcorp); PubMed 34878152 (cited by Labcorp Genetics (formerly Invitae), Labcorp).

NM_000182.5(HADHA):c.704G>A (p.Arg235Gln)

Gene: HADHA (hydroxyacyl-CoA dehydrogenase trifunctional multienzyme complex subunit alpha; minus strand). Cytogenetic location: 2p23.3.
Variant type: single nucleotide variant.
Coding change: c.704G>A on transcript NM_000182.5 (MANE Select); coding-DNA position 704, G replaced by A.
Protein change: p.Arg235Gln; replaces arginine 235 with glutamine.
Molecular consequence: missense variant.
Genome position (GRCh38, 1-based): chr2:26,215,148, C>T on the plus strand (G>A on the coding strand, the complement: HADHA is on the minus strand). VCF-style: chr2-26215148-C-T. GRCh37 (hg19) VCF-style: chr2-26438017-C-T.
Other names: short protein forms R235Q.
Identifiers: ClinVar variation 2146998 (VCV002146998.3), dbSNP rs762322638, ClinGen allele CA1559808.